The following is an entry in ClinVar:

ClinVar aggregate classification (germline): Uncertain significance. Review status: criteria provided, multiple submitters, no conflicts (2 of 4 stars). 2 submissions from 2 submitters: Uncertain significance (2). Last evaluated 2025-03-05.

Conditions:
Inborn genetic diseases. Identifiers: MedGen C0950123, MeSH D030342.
Fanconi anemia (FA). Also called: Fanconi's anemia. Identifiers: Orphanet 84, MedGen C0015625, MeSH D005199, MONDO:0019391.

gnomAD v4.1: 7 of 1,613,036 alleles (0.00043%); highest among the groups gnomAD compares: Non-Finnish European, 0.00051%; no homozygotes.

Submissions (2):

Ambry Genetics
Classification: Uncertain significance for Inborn genetic diseases. Last evaluated: 2025-03-05. Review status: criteria provided, single submitter. Criteria: Ambry Variant Classification Scheme 2023. Collection method: clinical testing. Allele origin: germline.
Comment: The p.R29S variant (also known as c.87G>T), located in coding exon 2 of the FANCA gene, results from a G to T substitution at nucleotide position 87. The arginine at codon 29 is replaced by serine, an amino acid with dissimilar properties. This amino acid position is conserved. In addition, the in silico prediction for this alteration is inconclusive. Based on the available evidence, the clinical significance of this variant remains unclear.

Labcorp Genetics (formerly Invitae), Labcorp
Classification: Uncertain significance for Fanconi anemia. Last evaluated: 2024-11-20. Review status: criteria provided, single submitter. Criteria: Invitae Variant Classification Sherloc (09022015). Collection method: clinical testing. Allele origin: germline.
Comment: This sequence change replaces arginine, which is basic and polar, with serine, which is neutral and polar, at codon 29 of the FANCA protein (p.Arg29Ser). This variant is not present in population databases (gnomAD no frequency). This variant has not been reported in the literature in individuals affected with FANCA-related conditions. Invitae Evidence Modeling of protein sequence and biophysical properties (such as structural, functional, and spatial information, amino acid conservation, physicochemical variation, residue mobility, and thermodynamic stability) has been performed for this missense variant. However, the output from this modeling did not meet the statistical confidence thresholds required to predict the impact of this variant on FANCA protein function. In summary, the available evidence is currently insufficient to determine the role of this variant in disease. Therefore, it has been classified as a Variant of Uncertain Significance.

NM_000135.4(FANCA):c.87G>T (p.Arg29Ser)

Gene: FANCA (FA complementation group A; minus strand). Cytogenetic location: 16q24.3.
Variant type: single nucleotide variant.
Coding change: c.87G>T on transcript NM_000135.4 (MANE Select); coding-DNA position 87, G replaced by T.
Protein change: p.Arg29Ser; replaces arginine 29 with serine.
Molecular consequence: missense variant.
Genome position (GRCh38, 1-based): chr16:89,815,979, C>A on the plus strand (G>T on the coding strand, the complement: FANCA is on the minus strand). VCF-style: chr16-89815979-C-A. GRCh37 (hg19) VCF-style: chr16-89882387-C-A.
Other names: c.87G>T, p.Arg29Ser (NM_001018112.3, NM_001286167.3, NM_001351830.2); short protein forms R29S.
Identifiers: ClinVar variation 3668609 (VCV003668609.3).